The following is an entry in ClinVar:

ClinVar aggregate classification (germline): Uncertain significance (1 of 4 stars; one submission).

Conditions:
RASopathy. Also called: rasopathies; Noonan spectrum disorder. Identifiers: Orphanet 536391, MedGen C5555857, MONDO:0021060.

Submission:

Labcorp Genetics (formerly Invitae), Labcorp
Classification: Uncertain significance for RASopathy. Last evaluated: 2024-10-18. Review status: criteria provided, single submitter. Criteria: Invitae Variant Classification Sherloc (09022015). Collection method: clinical testing. Allele origin: germline.
Comment: This sequence change creates a premature translational stop signal (p.Lys269*) in the MAP2K1 gene. It is expected to result in an absent or disrupted protein product. However, the current clinical and genetic evidence is not sufficient to establish whether loss-of-function variants in MAP2K1 cause disease. This variant is not present in population databases (gnomAD no frequency). This variant has not been reported in the literature in individuals affected with MAP2K1-related conditions. Algorithms developed to predict the effect of sequence changes on RNA splicing suggest that this variant may disrupt the consensus splice site. In summary, the available evidence is currently insufficient to determine the role of this variant in disease. Therefore, it has been classified as a Variant of Uncertain Significance.

NM_002755.4(MAP2K1):c.805A>T (p.Lys269Ter)

Gene: MAP2K1 (mitogen-activated protein kinase kinase 1; plus strand). Cytogenetic location: 15q22.31.
Variant type: single nucleotide variant.
Coding change: c.805A>T on transcript NM_002755.4 (MANE Select); coding-DNA position 805, A replaced by T.
Protein change: p.Lys269Ter; replaces lysine 269 with a stop codon.
Molecular consequence: nonsense.
Genome position (GRCh38, 1-based): chr15:66,485,101, A>T. VCF-style: chr15-66485101-A-T. GRCh37 (hg19) VCF-style: chr15-66777439-A-T.
Other names: c.661A>T, p.Lys221Ter (NM_001411065.1); short protein forms K221*, K269*.
Identifiers: ClinVar variation 3722770 (VCV003722770.2).